The following is an entry in ClinVar:

NC_000006.11:g.(?_39881498)_(39883996_?)dup

Gene: MOCS1 (molybdenum cofactor synthesis 1; minus strand). Cytogenetic location: 6p21.2.
Variant type: Duplication.
Identifiers: ClinVar variation 3246008 (VCV003246008.1).

ClinVar aggregate classification (germline): Likely pathogenic (1 of 4 stars; one submission).

Conditions:
Sulfite oxidase deficiency due to molybdenum cofactor deficiency type A. Also called: Molybdenum cofactor deficiency, complementation group A; Molybdenum Cofactor Deficiency A. Identifiers: Orphanet 308386, Orphanet 833, MedGen C1854988, MONDO:0009643, OMIM 252150.

Submission:

Labcorp Genetics (formerly Invitae), Labcorp
Classification: Likely pathogenic for Sulfite oxidase deficiency due to molybdenum cofactor deficiency type A. Last evaluated: 2022-11-28. Review status: criteria provided, single submitter. Criteria: Invitae Variant Classification Sherloc (09022015). Collection method: clinical testing. Allele origin: unknown.
Comment: In summary, the currently available evidence indicates that the variant is pathogenic, but additional data are needed to prove that conclusively. Therefore, this variant has been classified as Likely Pathogenic. This variant has not been reported in the literature in individuals affected with MOCS1-related conditions. This variant results in a copy number gain of the genomic region encompassing exon(s) 4-5 of the MOCS1 gene. While the exact position of this variant cannot be determined from the data, sub-genic copy number gains are generally in tandem (PMID: 25640679). This variant is predicted to be out-of-frame, and may result in an absent or disrupted protein product. Loss-of-function variants in MOCS1 are known to be pathogenic (PMID: 12754701, 16021469).

Literature cited by the submitters: PubMed 25640679; PubMed 12754701; PubMed 16021469.